The following is an entry in ClinVar:

NM_006922.4(SCN3A):c.3986T>C (p.Val1329Ala)

Gene: SCN3A (sodium voltage-gated channel alpha subunit 3; minus strand). Cytogenetic location: 2q24.3.
Variant type: single nucleotide variant.
Coding change: c.3986T>C on transcript NM_006922.4 (MANE Select); coding-DNA position 3986, T replaced by C.
Protein change: p.Val1329Ala; replaces valine 1329 with alanine.
Molecular consequence: missense variant.
Genome position (GRCh38, 1-based): chr2:165,097,505, A>G on the plus strand (T>C on the coding strand, the complement: SCN3A is on the minus strand). VCF-style: chr2-165097505-A-G. GRCh37 (hg19) VCF-style: chr2-165954015-A-G.
Other names: c.3839T>C, p.Val1280Ala (NM_001081676.2, NM_001081677.2); short protein forms V1329A, V1280A.
Identifiers: ClinVar variation 2702207 (VCV002702207.3), dbSNP rs1685414246, ClinGen allele CA349026044.
Genomic context (GRCh38, chr2:165,097,505, plus strand): 5'-AAGATCAACCAGAAGATGAGACAGACCAACAGCACATTCATGATAGAGGGAATTGCTCCA[A>G]CAAGAGCATTCACAACCACCTAGAAGAGACAGCGAGGGGAACATAGCTTACAAACCTTTT-3'
Protein context (NP_008853.3, residues 1319-1339): EGMRVVVNAL[Val1329Ala]GAIPSIMNVL

ClinVar aggregate classification (germline): Uncertain significance (1 of 4 stars; one submission).

Submission:

Labcorp Genetics (formerly Invitae), Labcorp
Classification: Uncertain significance. Last evaluated: 2023-12-11. Review status: criteria provided, single submitter. Criteria: Invitae Variant Classification Sherloc (09022015). Collection method: clinical testing. Allele origin: germline.
Comment: This sequence change replaces valine, which is neutral and non-polar, with alanine, which is neutral and non-polar, at codon 1329 of the SCN3A protein (p.Val1329Ala). This variant is not present in population databases (gnomAD no frequency). This variant has not been reported in the literature in individuals affected with SCN3A-related conditions. Advanced modeling of protein sequence and biophysical properties (such as structural, functional, and spatial information, amino acid conservation, physicochemical variation, residue mobility, and thermodynamic stability) performed at Invitae indicates that this missense variant is not expected to disrupt SCN3A protein function with a negative predictive value of 80%. In summary, the available evidence is currently insufficient to determine the role of this variant in disease. Therefore, it has been classified as a Variant of Uncertain Significance.